The following is an entry in ClinVar:

ClinVar aggregate classification (germline): Uncertain significance. Review status: criteria provided, multiple submitters, no conflicts (2 of 4 stars). 2 submissions from 2 submitters: Uncertain significance (2). Last evaluated 2022-07-26.

Conditions:
Neuromuscular disease caused by qualitative or quantitative defects of dysferlin. Also called: Qualitative or quantitative defects of dysferlin; Dysferlinopathy. Identifiers: Orphanet 207073, MedGen C2931687, MONDO:0016145.

Allele frequency attached by ClinVar (database versions not stated): TOPMed 0.00002; ExAC 0.00003; gnomAD 0.00003; gnomAD exomes 0.00004; ESP Exome Variant Server 0.00008.
gnomAD v4.1: 68 of 1,613,954 alleles (0.0042%); highest among the groups gnomAD compares: Admixed American, 0.0083%; no homozygotes.

Submissions (2):

Labcorp Genetics (formerly Invitae), Labcorp
Classification: Uncertain significance for Neuromuscular disease caused by qualitative or quantitative defects of dysferlin. Last evaluated: 2022-07-26. Review status: criteria provided, single submitter. Criteria: Invitae Variant Classification Sherloc (09022015). Collection method: clinical testing. Allele origin: germline.
Comment: This sequence change falls in intron 32 of the DYSF gene. It does not directly change the encoded amino acid sequence of the DYSF protein. This variant is present in population databases (rs370058694, gnomAD 0.009%). This variant has not been reported in the literature in individuals affected with DYSF-related conditions. ClinVar contains an entry for this variant (Variation ID: 898643). Algorithms developed to predict the effect of sequence changes on RNA splicing suggest that this variant may disrupt the consensus splice site. In summary, the available evidence is currently insufficient to determine the role of this variant in disease. Therefore, it has been classified as a Variant of Uncertain Significance.

Illumina Laboratory Services, Illumina
Classification: Uncertain significance for Qualitative or quantitative defects of dysferlin. Last evaluated: 2018-01-13. Review status: criteria provided, single submitter. Criteria: ICSL Variant Classification Criteria 13 December 2019. Collection method: clinical testing. Allele origin: germline.

NM_001130987.2(DYSF):c.3575-11G>A

Gene: DYSF (dysferlin; plus strand). Cytogenetic location: 2p13.2.
Variant type: single nucleotide variant.
Coding change: c.3575-11G>A on transcript NM_001130987.2 (MANE Select); 11 bases into the intron before coding-DNA position 3575, G replaced by A.
Molecular consequence: intron variant.
Genome position (GRCh38, 1-based): chr2:71,598,553, G>A. VCF-style: chr2-71598553-G-A. GRCh37 (hg19) VCF-style: chr2-71825683-G-A.
Other names: c.3614-11G>A (NM_001130979.2); c.3572-11G>A (NM_001130981.2, NM_001130980.2); c.3521-11G>A (NM_001130978.2, NM_003494.4); c.3479-11G>A (NM_001130977.2, NM_001130976.2); c.3617-11G>A (NM_001130982.2); c.3575-11G>A (NM_001130985.2); c.3524-11G>A (NM_001130983.2, NM_001130455.2); c.3482-11G>A (NM_001130984.2, NM_001130986.2).
Identifiers: ClinVar variation 898643 (VCV000898643.5), dbSNP rs370058694, ClinGen allele CA1706646.